The following is an entry in ClinVar:

NM_000353.3(TAT):c.614T>C (p.Ile205Thr)

Genes: TAT (tyrosine aminotransferase; minus strand), TAT-AS1 (TAT antisense RNA 1; plus strand), LOC111413029 (BRD4-independent group 4 enhancer GRCh37_chr16:71605697-71606896; plus strand). Cytogenetic location: 16q22.2.
Variant type: single nucleotide variant.
Coding change: c.614T>C on transcript NM_000353.3 (MANE Select); coding-DNA position 614, T replaced by C.
Protein change: p.Ile205Thr; replaces isoleucine 205 with threonine.
Molecular consequence: missense variant. On other transcripts: non-coding transcript variant (2).
Genome position (GRCh38, 1-based): chr16:71,572,278, A>G on the plus strand (T>C on the coding strand, the complement: TAT is on the minus strand). VCF-style: chr16-71572278-A-G. GRCh37 (hg19) VCF-style: chr16-71606181-A-G.
Other names: short protein forms I205T.
Identifiers: ClinVar variation 320410 (VCV000320410.8), dbSNP rs201857669, ClinGen allele CA8153946.

ClinVar aggregate classification (germline): Uncertain significance. Review status: criteria provided, multiple submitters, no conflicts (2 of 4 stars). 3 submissions from 3 submitters: Uncertain significance (2). 1 of the submissions does not count toward it. Last evaluated 2022-09-19.

Conditions:
Tyrosinemia type II (TYRSN2). Also called: KERATOSIS PALMOPLANTARIS WITH CORNEAL DYSTROPHY; OREGON TYPE TYROSINEMIA; TAT DEFICIENCY; TYROSINE AMINOTRANSFERASE DEFICIENCY; TYROSINE TRANSAMINASE DEFICIENCY. Identifiers: Orphanet 28378, MedGen C0268487, MONDO:0010160, OMIM 276600.
Microcephaly. Also called: Microcephaly (disease). Identifiers: MedGen C4551563, MONDO:0001149, HP:0000252.

Allele frequency attached by ClinVar (database versions not stated): gnomAD 0.00001 and 0.00009; TOPMed 0.00004; gnomAD exomes 0.00019; ExAC 0.00020; 1000 Genomes Project 30x 0.00047; 1000 Genomes Project 0.00060.

Submissions (3):

Labcorp Genetics (formerly Invitae), Labcorp
Classification: Uncertain significance for Tyrosinemia type II. Last evaluated: 2022-09-19. Review status: criteria provided, single submitter. Criteria: Invitae Variant Classification Sherloc (09022015). Collection method: clinical testing. Allele origin: germline.
Comment: This sequence change replaces isoleucine, which is neutral and non-polar, with threonine, which is neutral and polar, at codon 205 of the TAT protein (p.Ile205Thr). This variant is present in population databases (rs201857669, gnomAD 0.1%), including at least one homozygous and/or hemizygous individual. This variant has not been reported in the literature in individuals affected with TAT-related conditions. ClinVar contains an entry for this variant (Variation ID: 320410). Algorithms developed to predict the effect of missense changes on protein structure and function (SIFT, PolyPhen-2, Align-GVGD) all suggest that this variant is likely to be disruptive. In summary, the available evidence is currently insufficient to determine the role of this variant in disease. Therefore, it has been classified as a Variant of Uncertain Significance.

Illumina Laboratory Services, Illumina
Classification: Uncertain significance for Tyrosinemia type II. Last evaluated: 2018-01-13. Review status: criteria provided, single submitter. Criteria: ICSL Variant Classification Criteria 13 December 2019. Collection method: clinical testing. Allele origin: germline.

Department of Pediatrics, Samsung Medical Center, Samsung Medical Center
Classification: Uncertain significance for Microcephaly. Review status: no assertion criteria provided. Criteria: ACMG Guidelines, 2015. Collection method: research. Allele origin: germline. Affected: yes. Not counted in ClinVar's aggregate classification.